The following is an entry in ClinVar:

ClinVar aggregate classification (germline): Uncertain significance (1 of 4 stars; one submission).

Submission:

Ambry Genetics
Classification: Uncertain significance. Last evaluated: 2025-03-07. Review status: criteria provided, single submitter. Criteria: Ambry Variant Classification Scheme 2023. Collection method: clinical testing. Allele origin: germline.
Comment: The p.G77S variant (also known as c.229G>A), located in coding exon 2 of the GFI1 gene, results from a G to A substitution at nucleotide position 229. The glycine at codon 77 is replaced by serine, an amino acid with similar properties. This amino acid position is conserved. In addition, this alteration is predicted to be tolerated by in silico analysis. Based on the available evidence, the clinical significance of this variant remains unclear.

NM_005263.5(GFI1):c.229G>A (p.Gly77Ser)

Gene: GFI1 (growth factor independent 1 transcriptional repressor; minus strand). Cytogenetic location: 1p22.1.
Variant type: single nucleotide variant.
Coding change: c.229G>A on transcript NM_005263.5 (MANE Select); coding-DNA position 229, G replaced by A.
Protein change: p.Gly77Ser; replaces glycine 77 with serine.
Molecular consequence: missense variant.
Genome position (GRCh38, 1-based): chr1:92,482,933, C>T on the plus strand (G>A on the coding strand, the complement: GFI1 is on the minus strand). VCF-style: chr1-92482933-C-T. GRCh37 (hg19) VCF-style: chr1-92948490-C-T.
Other names: c.229G>A, p.Gly77Ser (NM_001127215.3, NM_001127216.3); short protein forms G77S.
Identifiers: ClinVar variation 3853741 (VCV003853741.1).